The following is an entry in ClinVar:

NM_004119.3(FLT3):c.1683A>G (p.Leu561=)

Gene: FLT3 (fms related receptor tyrosine kinase 3; minus strand). Cytogenetic location: 13q12.2.
Variant type: single nucleotide variant.
Coding change: c.1683A>G on transcript NM_004119.3 (MANE Select); coding-DNA position 1683, A replaced by G.
Protein change: p.Leu561=; no amino-acid change (leucine 561 retained).
Molecular consequence: synonymous variant. On other transcripts: non-coding transcript variant (1).
Genome position (GRCh38, 1-based): chr13:28,034,322, T>C on the plus strand (A>G on the coding strand, the complement: FLT3 is on the minus strand). VCF-style: chr13-28034322-T-C. GRCh37 (hg19) VCF-style: chr13-28608459-T-C.
Identifiers: ClinVar variation 1226610 (VCV001226610.6), dbSNP rs34374211, ClinGen allele CA6928586.

ClinVar aggregate classification (germline): Benign. Review status: criteria provided, multiple submitters, no conflicts (2 of 4 stars). 3 submissions from 3 submitters: Benign (2). 1 of the submissions does not count toward it. Last evaluated 2018-11-11.

Conditions:
FLT3-related disorder. Also called: FLT3-related condition.

Allele frequency attached by ClinVar (database versions not stated): gnomAD exomes 0.05579 and 0.07640; ExAC 0.08227; ESP Exome Variant Server 0.09596; gnomAD 0.09819 and 0.10062; TOPMed 0.10446; 1000 Genomes Project 0.13978; 1000 Genomes Project 30x 0.14054.
gnomAD v4.1: 97,312 of 1,613,474 alleles (6%); highest among the groups gnomAD compares: African/African-American, 23%; 5,747 homozygotes.

Submissions (3):

GeneDx
Classification: Benign. Last evaluated: 2018-11-11. Review status: criteria provided, single submitter. Criteria: GeneDx Variant Classification Process June 2021. Collection method: clinical testing. Allele origin: germline. Affected: yes.

Breakthrough Genomics
Classification: Benign. Review status: criteria provided, single submitter. Criteria: ACMG Guidelines, 2015. Collection method: not provided. Allele origin: germline. Inheritance: Autosomal dominant inheritance. Affected: yes.

PreventionGenetics, part of Exact Sciences
Classification: Benign for FLT3-related condition. Last evaluated: 2024-02-07. Review status: no assertion criteria provided. Collection method: clinical testing. Allele origin: germline. Not counted in ClinVar's aggregate classification.
Comment: This variant is classified as benign based on ACMG/AMP sequence variant interpretation guidelines (Richards et al. 2015 PMID: 25741868, with internal and published modifications).